The following is an entry in ClinVar:

ClinVar aggregate classification (germline): Uncertain significance (1 of 4 stars; one submission).

Allele frequency attached by ClinVar (database versions not stated): TOPMed below 0.00001; gnomAD 0.00001.
gnomAD v4.1: 1 of 1,614,062 alleles (0.000062%); highest among the groups gnomAD compares: Admixed American, 0.0017%; no homozygotes.

Submission:

Labcorp Genetics (formerly Invitae), Labcorp
Classification: Uncertain significance. Last evaluated: 2023-11-18. Review status: criteria provided, single submitter. Criteria: Invitae Variant Classification Sherloc (09022015). Collection method: clinical testing. Allele origin: germline.
Comment: This sequence change replaces glutamic acid, which is acidic and polar, with glycine, which is neutral and non-polar, at codon 405 of the LEMD2 protein (p.Glu405Gly). This variant is not present in population databases (gnomAD no frequency). This variant has not been reported in the literature in individuals affected with LEMD2-related conditions. An algorithm developed to predict the effect of missense changes on protein structure and function (PolyPhen-2) suggests that this variant is likely to be disruptive. In summary, the available evidence is currently insufficient to determine the role of this variant in disease. Therefore, it has been classified as a Variant of Uncertain Significance.

NM_181336.4(LEMD2):c.1214A>G (p.Glu405Gly)

Gene: LEMD2 (LEM domain nuclear envelope protein 2; minus strand). Cytogenetic location: 6p21.31.
Variant type: single nucleotide variant.
Coding change: c.1214A>G on transcript NM_181336.4 (MANE Select); coding-DNA position 1214, A replaced by G.
Protein change: p.Glu405Gly; replaces glutamic acid 405 with glycine.
Molecular consequence: missense variant.
Genome position (GRCh38, 1-based): chr6:33,777,182, T>C on the plus strand (A>G on the coding strand, the complement: LEMD2 is on the minus strand). VCF-style: chr6-33777182-T-C. GRCh37 (hg19) VCF-style: chr6-33744959-T-C.
Other names: c.308A>G, p.Glu103Gly (NM_001143944.1, NM_001348709.2); c.815A>G, p.Glu272Gly (NM_001348710.2); short protein forms E103G, E405G, E272G.
Identifiers: ClinVar variation 2696933 (VCV002696933.3), dbSNP rs1381911744, ClinGen allele CA363689632.